The following is an entry in ClinVar:

ClinVar aggregate classification (germline): Uncertain significance (1 of 4 stars; one submission).

Conditions:
Gastrointestinal stromal tumor. Also called: Gastrointestinal stromal tumor, somatic; Gastrointestinal stroma tumor. Identifiers: Orphanet 44890, MedGen C0238198, MeSH D046152, MONDO:0011719, OMIM 606764, HP:0100723.

Allele frequency attached by ClinVar (database versions not stated): gnomAD exomes below 0.00001; ExAC 0.00001.
gnomAD v4.1: 1 of 1,608,188 alleles (0.000062%); highest among the groups gnomAD compares: Non-Finnish European, 0.000085%; no homozygotes.

Submission:

Labcorp Genetics (formerly Invitae), Labcorp
Classification: Uncertain significance for Gastrointestinal stromal tumor. Last evaluated: 2022-03-31. Review status: criteria provided, single submitter. Criteria: Invitae Variant Classification Sherloc (09022015). Collection method: clinical testing. Allele origin: germline.
Comment: In summary, the available evidence is currently insufficient to determine the role of this variant in disease. Therefore, it has been classified as a Variant of Uncertain Significance. ClinVar contains an entry for this variant (Variation ID: 858396). This variant has not been reported in the literature in individuals affected with PDGFRA-related conditions. This variant is present in population databases (rs747156883, gnomAD 0.0009%). This sequence change creates a premature translational stop signal (p.Trp549*) in the PDGFRA gene. It is expected to result in an absent or disrupted protein product. However, the current clinical and genetic evidence is not sufficient to establish whether loss-of-function variants in PDGFRA cause disease.

NM_006206.6(PDGFRA):c.1647G>A (p.Trp549Ter)

Gene: PDGFRA (platelet derived growth factor receptor alpha; plus strand). Cytogenetic location: 4q12.
Variant type: single nucleotide variant.
Coding change: c.1647G>A on transcript NM_006206.6 (MANE Select); coding-DNA position 1647, G replaced by A.
Protein change: p.Trp549Ter; replaces tryptophan 549 with a stop codon.
Molecular consequence: nonsense.
Genome position (GRCh38, 1-based): chr4:54,274,619, G>A. VCF-style: chr4-54274619-G-A. GRCh37 (hg19) VCF-style: chr4-55140786-G-A.
Other names: c.1647G>A, p.Trp549Ter (NM_001347827.2, NM_001347829.2); c.1722G>A, p.Trp574Ter (NM_001347828.2); c.1686G>A, p.Trp562Ter (NM_001347830.2); short protein forms W562*, W574*, W549*.
Identifiers: ClinVar variation 858396 (VCV000858396.8), dbSNP rs747156883, ClinGen allele CA2922632.
Genomic context (GRCh38, chr4:54,274,619, plus strand): 5'-TGCAGTCCTGGTGCTGTTGGTGATTGTGATCATCTCACTTATTGTCCTGGTTGTCATTTG[G>A]AAACAGGTAGATATTTTCTCATAAAACTAAAGATCTTTGAAGCCAATGAGAACAAGCATA-3'